The following is an entry in ClinVar:

ClinVar aggregate classification (germline): Uncertain significance (1 of 4 stars; one submission).

Conditions:
Kleefstra syndrome 1 (KLEFS1). Identifiers: Orphanet 261494, MedGen C0795833, MONDO:0027407, OMIM 610253.

Submission:

Dasa
Classification: Uncertain significance for Kleefstra syndrome 1. Last evaluated: 2024-12-08. Review status: criteria provided, single submitter. Criteria: DASA Assertion Criteria. Collection method: clinical testing. Allele origin: germline.
Comment: NM_024757.5(EHMT1):c.3685A>C (p.Thr1229Pro) is a missense variant that results in the substitution of threonine with proline. This variant is absent from population databases. Computational prediction algorithms are consistent with a deleterious effect. The currently available literature and clinical evidence are not sufficient to establish a definitive association between this variant and the reported condition. Therefore, this variant is classified as a variant of uncertain significance.

NM_024757.5(EHMT1):c.3685A>C (p.Thr1229Pro)

Gene: EHMT1 (euchromatic histone lysine methyltransferase 1; plus strand). Cytogenetic location: 9q34.3.
Variant type: single nucleotide variant.
Coding change: c.3685A>C on transcript NM_024757.5 (MANE Select); coding-DNA position 3685, A replaced by C.
Protein change: p.Thr1229Pro; replaces threonine 1229 with proline.
Molecular consequence: missense variant.
Genome position (GRCh38, 1-based): chr9:137,834,493, A>C. VCF-style: chr9-137834493-A-C. GRCh37 (hg19) VCF-style: chr9-140728945-A-C.
Other names: c.3664A>C, p.Thr1222Pro (NM_001354263.2); short protein forms T1222P, T1229P.
Identifiers: ClinVar variation 4881565 (VCV004881565.2).